The following is an entry in ClinVar:

ClinVar aggregate classification (germline): Likely benign. Review status: criteria provided, multiple submitters, no conflicts (2 of 4 stars). 3 submissions from 3 submitters: Likely benign (2). 1 of the submissions does not count toward it. Last evaluated 2025-12-22.

Conditions:
Noonan syndrome 9 (NS9). Identifiers: Orphanet 648, MedGen C4225282, MONDO:0014691, OMIM 616559.
SOS2-related disorder. Also called: SOS2-related condition.

Allele frequency attached by ClinVar (database versions not stated): TOPMed 0.00008; gnomAD 0.00014 and 0.00016; 1000 Genomes Project 0.00040; gnomAD exomes 0.00054 and 0.00083; ExAC 0.00113.
gnomAD v4.1: 93 of 181,452 alleles (0.051%); highest among the groups gnomAD compares: Middle Eastern, 0.21%; no homozygotes.

Submissions (4):

Labcorp Genetics (formerly Invitae), Labcorp
Classification: Likely benign for Noonan syndrome 9. Last evaluated: 2025-12-22. Review status: criteria provided, single submitter. Criteria: Invitae Variant Classification Sherloc (09022015). Collection method: clinical testing. Allele origin: germline.

Blueprint Genetics
Classification: Likely benign. Last evaluated: 2024-06-27. Review status: criteria provided, single submitter. Criteria: ACMG Guidelines, 2015. Collection method: clinical testing. Allele origin: germline.

PreventionGenetics, part of Exact Sciences
Classification: Likely benign for SOS2-related condition. Last evaluated: 2019-03-26. Review status: no assertion criteria provided. Collection method: clinical testing. Allele origin: germline. Not counted in ClinVar's aggregate classification.
Comment: This variant is classified as likely benign based on ACMG/AMP sequence variant interpretation guidelines (Richards et al. 2015 PMID: 25741868, with internal and published modifications).

Dr. Peter K. Rogan Lab, Western University
No classification provided (evidence only). Condition: Familial cancer of breast. Review status: no classification provided. Collection method: in vitro. Allele origin: not applicable. Functional consequence: retained intron. Not counted in ClinVar's aggregate classification.

NM_006939.4(SOS2):c.2786-6T>A

Gene: SOS2 (SOS Ras/Rho guanine nucleotide exchange factor 2; minus strand). Cytogenetic location: 14q21.3.
Variant type: single nucleotide variant.
Coding change: c.2786-6T>A on transcript NM_006939.4 (MANE Select); 6 bases into the intron before coding-DNA position 2786, T replaced by A.
Molecular consequence: intron variant.
Genome position (GRCh38, 1-based): chr14:50,138,790, A>T on the plus strand (T>A on the coding strand, the complement: SOS2 is on the minus strand). VCF-style: chr14-50138790-A-T. GRCh37 (hg19) VCF-style: chr14-50605508-A-T.
Other names: c.2786-6T>A (NM_006939.3).
Identifiers: ClinVar variation 707179 (VCV000707179.14), dbSNP rs552609367, ClinGen allele CA7176940.